The following is an entry in ClinVar:

ClinVar aggregate classification (germline): Benign/Likely benign. Review status: criteria provided, multiple submitters, no conflicts (2 of 4 stars). 5 submissions from 5 submitters: Benign (4); Likely benign (1). Last evaluated 2026-01-27.

Conditions:
Charcot-Marie-Tooth disease type 4G. Also called: CHARCOT-MARIE-TOOTH NEUROPATHY, TYPE 4G; CHARCOT-MARIE-TOOTH DISEASE, DEMYELINATING, TYPE 4G; Neuropathy, hereditary motor and sensory, Russe type. Identifiers: Orphanet 99953, MedGen C1854449, MONDO:0011534, OMIM 605285.
Hemolytic anemia due to hexokinase deficiency (CNSHA5). Also called: HEMOLYTIC ANEMIA, NONSPHEROCYTIC, DUE TO HEXOKINASE DEFICIENCY; ANEMIA, CONGENITAL, NONSPHEROCYTIC HEMOLYTIC, 5; Hexokinase deficiency hemolytic anemia; Non-spherocytic hemolytic anemia due to hexokinase deficiency. Identifiers: Orphanet 90031, MedGen C3150343, MONDO:0009340, OMIM 235700.
Retinitis pigmentosa 79 (RP79). Identifiers: MedGen C4479526, MONDO:0044320, OMIM 617460.
Neurodevelopmental disorder with visual defects and brain anomalies. Identifiers: MedGen C5231404, MONDO:0032807, OMIM 618547.

Allele frequency attached by ClinVar (database versions not stated): gnomAD exomes 0.00149 and 0.00425; ExAC 0.00518; gnomAD 0.01595 and 0.01704; ESP Exome Variant Server 0.01761; TOPMed 0.01797; 1000 Genomes Project 0.01957; 1000 Genomes Project 30x 0.02092.
gnomAD v4.1: 4,688 of 1,614,000 alleles (0.29%); highest among the groups gnomAD compares: African/African-American, 5.6%; 126 homozygotes.

Submissions (23):

Labcorp Genetics (formerly Invitae), Labcorp
Classification: Benign. Last evaluated: 2026-01-27. Review status: criteria provided, single submitter. Criteria: Invitae Variant Classification Sherloc (09022015). Collection method: clinical testing. Allele origin: germline.

ARUP Laboratories, Molecular Genetics and Genomics, ARUP Laboratories
Classification: Benign. Last evaluated: 2025-06-06. Review status: criteria provided, single submitter. Criteria: ARUP Molecular Germline Variant Investigation Process 2024. Collection method: clinical testing. Allele origin: germline.

Mayo Clinic Laboratories, Mayo Clinic
Classification: Likely benign. Last evaluated: 2024-11-11. Review status: criteria provided, single submitter. Criteria: ACMG Guidelines, 2015. Collection method: clinical testing. Allele origin: germline. Observed: 50 variant alleles.
Comment: BS1, BP4, BP7

Fulgent Genetics
Classification: Benign for Hemolytic anemia due to hexokinase deficiency; Charcot-Marie-Tooth disease type 4G; Retinitis pigmentosa 79; Neurodevelopmental disorder with visual defects and brain anomalies. Last evaluated: 2021-08-10. Review status: criteria provided, single submitter. Criteria: ACMG Guidelines, 2015. Collection method: clinical testing. Allele origin: unknown.

Breakthrough Genomics
Classification: Benign. Review status: criteria provided, single submitter. Criteria: ACMG Guidelines, 2015. Collection method: not provided. Allele origin: germline. Inheritance: Autosomal recessive inheritance. Affected: yes.

Dr. Peter K. Rogan Lab, Western University
No classification provided (evidence only). Condition: Lung cancer. Review status: no classification provided. Collection method: in vitro. Allele origin: not applicable. Functional consequence: retained intron. Not counted in ClinVar's aggregate classification.

Dr. Peter K. Rogan Lab, Western University
No classification provided (evidence only). Condition: Acute myeloid leukemia. Review status: no classification provided. Collection method: in vitro. Allele origin: not applicable. Functional consequence: skipped exon, retained intron. Not counted in ClinVar's aggregate classification.

Dr. Peter K. Rogan Lab, Western University
No classification provided (evidence only). Condition: Uterine corpus endometrial carcinoma. Review status: no classification provided. Collection method: in vitro. Allele origin: not applicable. Functional consequence: retained intron. Not counted in ClinVar's aggregate classification.

Dr. Peter K. Rogan Lab, Western University
No classification provided (evidence only). Condition: Uterine corpus endometrial carcinoma. Review status: no classification provided. Collection method: in vitro. Allele origin: not applicable. Functional consequence: skipped exon, retained intron. Not counted in ClinVar's aggregate classification.

Dr. Peter K. Rogan Lab, Western University
No classification provided (evidence only). Condition: Uterine corpus endometrial carcinoma. Review status: no classification provided. Collection method: in vitro. Allele origin: not applicable. Functional consequence: skipped exon. Not counted in ClinVar's aggregate classification.

Dr. Peter K. Rogan Lab, Western University
No classification provided (evidence only). Condition: Uterine corpus endometrial carcinoma. Review status: no classification provided. Collection method: in vitro. Allele origin: not applicable. Functional consequence: skipped exon. Not counted in ClinVar's aggregate classification.

Dr. Peter K. Rogan Lab, Western University
No classification provided (evidence only). Condition: Cervical cancer. Review status: no classification provided. Collection method: in vitro. Allele origin: not applicable. Functional consequence: skipped exon, retained intron. Not counted in ClinVar's aggregate classification.

Dr. Peter K. Rogan Lab, Western University
No classification provided (evidence only). Condition: Cervical cancer. Review status: no classification provided. Collection method: in vitro. Allele origin: not applicable. Functional consequence: retained intron. Not counted in ClinVar's aggregate classification.

Dr. Peter K. Rogan Lab, Western University
No classification provided (evidence only). Condition: Cervical cancer. Review status: no classification provided. Collection method: in vitro. Allele origin: not applicable. Functional consequence: retained intron. Not counted in ClinVar's aggregate classification.

Dr. Peter K. Rogan Lab, Western University
No classification provided (evidence only). Condition: Sarcoma. Review status: no classification provided. Collection method: in vitro. Allele origin: not applicable. Functional consequence: skipped exon, retained intron. Not counted in ClinVar's aggregate classification.

Dr. Peter K. Rogan Lab, Western University
No classification provided (evidence only). Condition: Sarcoma. Review status: no classification provided. Collection method: in vitro. Allele origin: not applicable. Functional consequence: skipped exon, retained intron. Not counted in ClinVar's aggregate classification.

Dr. Peter K. Rogan Lab, Western University
No classification provided (evidence only). Condition: Sarcoma. Review status: no classification provided. Collection method: in vitro. Allele origin: not applicable. Functional consequence: skipped exon, retained intron. Not counted in ClinVar's aggregate classification.

Dr. Peter K. Rogan Lab, Western University
No classification provided (evidence only). Condition: Thymoma. Review status: no classification provided. Collection method: in vitro. Allele origin: not applicable. Functional consequence: skipped exon. Not counted in ClinVar's aggregate classification.

Dr. Peter K. Rogan Lab, Western University
No classification provided (evidence only). Condition: Ovarian serous cystadenocarcinoma. Review status: no classification provided. Collection method: in vitro. Allele origin: not applicable. Functional consequence: retained intron. Not counted in ClinVar's aggregate classification.

Dr. Peter K. Rogan Lab, Western University
No classification provided (evidence only). Condition: Uterine carcinosarcoma. Review status: no classification provided. Collection method: in vitro. Allele origin: not applicable. Functional consequence: skipped exon, retained intron. Not counted in ClinVar's aggregate classification.

Dr. Peter K. Rogan Lab, Western University
No classification provided (evidence only). Condition: Uterine carcinosarcoma. Review status: no classification provided. Collection method: in vitro. Allele origin: not applicable. Functional consequence: skipped exon, retained intron. Not counted in ClinVar's aggregate classification.

Dr. Peter K. Rogan Lab, Western University
No classification provided (evidence only). Condition: Uterine carcinosarcoma. Review status: no classification provided. Collection method: in vitro. Allele origin: not applicable. Functional consequence: skipped exon, retained intron. Not counted in ClinVar's aggregate classification.

Dr. Peter K. Rogan Lab, Western University
No classification provided (evidence only). Condition: Uveal melanoma. Review status: no classification provided. Collection method: in vitro. Allele origin: not applicable. Functional consequence: skipped exon, retained intron. Not counted in ClinVar's aggregate classification.

NM_000188.3(HK1):c.1031+6T>C

Gene: HK1 (hexokinase 1; plus strand). Cytogenetic location: 10q22.1.
Variant type: single nucleotide variant.
Coding change: c.1031+6T>C on transcript NM_000188.3 (MANE Select); 6 bases into the intron after coding-DNA position 1031, T replaced by C.
Molecular consequence: intron variant.
Genome position (GRCh38, 1-based): chr10:69,377,095, T>C. VCF-style: chr10-69377095-T-C. GRCh37 (hg19) VCF-style: chr10-71136851-T-C.
Other names: p.?; c.995+6T>C (NM_033500.2); c.1136+6T>C (NM_001322365.2); c.1043+6T>C (NM_033498.3, NM_033497.3, NM_001322364.2 and 1 more transcripts); c.1028+6T>C (NM_033496.3, NM_033496.2); c.947+6T>C (NM_001322366.1); c.935+6T>C (NM_001322367.1).
Identifiers: ClinVar variation 776515 (VCV000776515.30), dbSNP rs57012387, ClinGen allele CA5532474.